The following is an entry in ClinVar:

ClinVar aggregate classification (germline): Likely pathogenic (1 of 4 stars; one submission).

Conditions:
ADCY3-related disorder. Also called: ADCY3-related condition.

Submission:

PreventionGenetics, part of Exact Sciences
Classification: Likely pathogenic for ADCY3-related condition. Last evaluated: 2025-10-21. Review status: criteria provided, single submitter. Criteria: ACMG Guidelines, 2015. Collection method: clinical testing. Allele origin: germline.
Comment: The ADCY3 c.767dupT variant is predicted to result in a frameshift and premature protein termination (p.Glu257Glyfs*33). To our knowledge, this variant has not been reported in the literature or in a large population database (gnomAD), indicating this variant is rare. Frameshift variants in ADCY3 are expected to be pathogenic. This variant is interpreted as likely pathogenic.

NM_004036.5(ADCY3):c.767dup (p.Glu257fs)

Gene: ADCY3 (adenylate cyclase 3; minus strand). Cytogenetic location: 2p23.3.
Variant type: Duplication.
Coding change: c.767dup on transcript NM_004036.5 (MANE Select); coding-DNA position 767, one base duplicated (T; older notation c.767dupT).
Protein change: p.Glu257fs; shifts the reading frame from glutamic acid 257.
Molecular consequence: frameshift variant.
Genome position (GRCh38, 1-based): chr2:24,872,628, A duplicated on the plus strand (T on the coding strand, the reverse complement: ADCY3 is on the minus strand). VCF-style (leftmost placement, unchanged base first): chr2-24872627-C-CA. GRCh37 (hg19) VCF-style: chr2-25095496-C-CA.
Other names: c.767dup, p.Glu257fs (NM_001377129.1, NM_001377130.1, NM_001377132.1 and 2 more transcripts); c.44dup, p.Glu16fs (NM_001377131.1); short protein forms E16fs, E257fs.
Identifiers: ClinVar variation 3347084 (VCV003347084.2).